The following is an entry in ClinVar:

NM_000257.4(MYH7):c.848A>G (p.Tyr283Cys)

Gene: MYH7 (myosin heavy chain 7; minus strand). Cytogenetic location: 14q11.2.
Variant type: single nucleotide variant.
Coding change: c.848A>G on transcript NM_000257.4 (MANE Select); coding-DNA position 848, A replaced by G.
Protein change: p.Tyr283Cys; replaces tyrosine 283 with cysteine.
Molecular consequence: missense variant.
Genome position (GRCh38, 1-based): chr14:23,430,948, T>C on the plus strand (A>G on the coding strand, the complement: MYH7 is on the minus strand). VCF-style: chr14-23430948-T-C. GRCh37 (hg19) VCF-style: chr14-23900157-T-C.
Other names: p.Y283C:TAT>TGT; short protein forms Y283C.
Identifiers: ClinVar variation 164386 (VCV000164386.14), dbSNP rs727503274, ClinGen allele CA016898.

ClinVar aggregate classification (germline): Conflicting classifications of pathogenicity. Review status: criteria provided, conflicting classifications (1 of 4 stars). 4 submissions from 4 submitters: Likely pathogenic (1); Uncertain significance (2). 1 of the submissions does not count toward it. Last evaluated 2024-04-11.

Conditions:
Cardiovascular phenotype. Identifiers: MedGen CN230736.
Hypertrophic cardiomyopathy. Also called: HYPERTROPHIC MYOCARDIOPATHY. Identifiers: Orphanet 217569, MedGen C0007194, MeSH D002312, MONDO:0005045, HP:0001639.

Submissions (4):

Ambry Genetics
Classification: Uncertain significance for Cardiovascular phenotype. Last evaluated: 2024-04-11. Review status: criteria provided, single submitter. Criteria: Ambry Variant Classification Scheme 2023. Collection method: clinical testing. Allele origin: germline.
Comment: The p.Y283C variant (also known as c.848A>G), located in coding exon 8 of the MYH7 gene, results from an A to G substitution at nucleotide position 848. The tyrosine at codon 283 is replaced by cysteine, an amino acid with highly dissimilar properties. This variant was identified in 1 patient with hypertrophic cardiomyopathy (HCM) ) in a large study of pathogenicity of Mendelian variants in cardiomyopathy patients, but clinical details are limited (Walsh R et al. Genet Med, 2017 Feb;19:192-203). This alteration is located in the myosin head domain, which contains a statistically significant clustering of pathogenic missense variants (Homburger JR et al. Proc Natl Acad Sci U S A, 2016 06;113:6701-6; Walsh R et al. Genet Med, 2017 02;19:192-203; Ambry internal data). This amino acid position is highly conserved in available vertebrate species. In addition, this alteration is predicted to be deleterious by in silico analysis. Based on the available evidence, the clinical significance of this variant remains unclear.

Labcorp Genetics (formerly Invitae), Labcorp
Classification: Uncertain significance for Hypertrophic cardiomyopathy. Last evaluated: 2022-03-23. Review status: criteria provided, single submitter. Criteria: Invitae Variant Classification Sherloc (09022015). Collection method: clinical testing. Allele origin: germline.
Comment: In summary, the available evidence is currently insufficient to determine the role of this variant in disease. Therefore, it has been classified as a Variant of Uncertain Significance. This variant is found within a region of MYH7 between codons 181 and 937 that contains the majority of the myosin head domain. Missense variants in this region have been shown to be significantly overrepresented in individuals with hypertrophic cardiomyopathy (PMID: 27532257). Algorithms developed to predict the effect of missense changes on protein structure and function are either unavailable or do not agree on the potential impact of this missense change (SIFT: "Deleterious"; PolyPhen-2: "Probably Damaging"; Align-GVGD: "Class C0"). ClinVar contains an entry for this variant (Variation ID: 164386). This missense change has been observed in individual(s) with hypertrophic cardiomyopathy (PMID: 25611685). This variant is not present in population databases (gnomAD no frequency). This sequence change replaces tyrosine, which is neutral and polar, with cysteine, which is neutral and slightly polar, at codon 283 of the MYH7 protein (p.Tyr283Cys).

GeneDx
Classification: Likely pathogenic. Last evaluated: 2014-06-24. Review status: criteria provided, single submitter. Criteria: GeneDx Variant Classification (06012015). Collection method: clinical testing. Allele origin: germline. Affected: yes.
Comment: The Y283C variant that is likely pathogenic was identified in the MYH7 gene. To our knowledge, this variant has not been published as a mutation or as a benign polymorphism. The Y283C variant was not observed in approximately 6,500 individuals of European and African American ancestry in the NHLBI Exome Sequencing Project, indicating it is not a common benign variant in these populations. The Y283C variant is a non-conservative amino acid substitution, which is likely to impact secondary protein structure as these residues differ in polarity, charge, size and/or other properties. Moreover, this substitution occurs at a position that is conserved across species, and in silico analysis predicts this variant is probably damaging to the protein structure/function. Missense mutations in nearby residues (R281T, S291F), have been reported in association with DCM, supporting the functional importance of this region of the protein. Therefore, this variant is a strong candidate for a pathogenic mutation, however the possibility that it is a benign variant cannot be excluded. The variant is found in DCM-CRDM panel(s).

Laboratory for Molecular Medicine, Mass General Brigham Personalized Medicine
Classification: Uncertain significance. Last evaluated: 2014-03-07. Review status: no assertion criteria provided. Collection method: clinical testing. Allele origin: germline. Observed: 1 variant allele. Not counted in ClinVar's aggregate classification.
Comment: proposed classification - variant undergoing re-assessment, contact laboratory

Literature cited by the submitters: PubMed 25611685 (cited by Ambry Genetics and Labcorp Genetics (formerly Invitae), Labcorp); PubMed 27532257 (cited by Ambry Genetics and Labcorp Genetics (formerly Invitae), Labcorp); PubMed 29892087 (cited by Ambry Genetics).